The following is an entry in ClinVar:

NM_014003.4(DHX38):c.3127G>A (p.Glu1043Lys)

Genes: DHX38 (DEAH-box helicase 38; plus strand), LOC126862391 (CDK7 strongly-dependent group 2 enhancer GRCh37_chr16:72141414-72142613; plus strand). Cytogenetic location: 16q22.2.
Variant type: single nucleotide variant.
Coding change: c.3127G>A on transcript NM_014003.4 (MANE Select); coding-DNA position 3127, G replaced by A.
Protein change: p.Glu1043Lys; replaces glutamic acid 1043 with lysine.
Molecular consequence: missense variant.
Genome position (GRCh38, 1-based): chr16:72,108,479, G>A. VCF-style: chr16-72108479-G-A. GRCh37 (hg19) VCF-style: chr16-72142378-G-A.
Other names: short protein forms E1043K.
Identifiers: ClinVar variation 850448 (VCV000850448.10), dbSNP rs1374089277, ClinGen allele CA396716023.

ClinVar aggregate classification (germline): Uncertain significance (1 of 4 stars; one submission).

Allele frequency attached by ClinVar (database versions not stated): TOPMed below 0.00001; gnomAD 0.00001.

Submission:

Labcorp Genetics (formerly Invitae), Labcorp
Classification: Uncertain significance. Last evaluated: 2022-02-05. Review status: criteria provided, single submitter. Criteria: Invitae Variant Classification Sherloc (09022015). Collection method: clinical testing. Allele origin: germline.
Comment: This sequence change replaces glutamic acid, which is acidic and polar, with lysine, which is basic and polar, at codon 1043 of the DHX38 protein (p.Glu1043Lys). This variant is not present in population databases (gnomAD no frequency). This variant has not been reported in the literature in individuals affected with DHX38-related conditions. ClinVar contains an entry for this variant (Variation ID: 850448). Algorithms developed to predict the effect of missense changes on protein structure and function (SIFT, PolyPhen-2, Align-GVGD) all suggest that this variant is likely to be disruptive. In summary, the available evidence is currently insufficient to determine the role of this variant in disease. Therefore, it has been classified as a Variant of Uncertain Significance.